The following is an entry in ClinVar:

ClinVar aggregate classification (germline): Uncertain significance (1 of 4 stars; one submission).

gnomAD v4.1: 4 of 1,614,122 alleles (0.00025%); highest among the groups gnomAD compares: South Asian, 0.0044%; no homozygotes.

Submission:

GeneDx
Classification: Uncertain significance. Last evaluated: 2024-12-02. Review status: criteria provided, single submitter. Criteria: GeneDx Variant Classification Process June 2021. Collection method: clinical testing. Allele origin: germline. Affected: yes.
Comment: Not observed at significant frequency in large population cohorts (gnomAD); In silico analysis indicates that this missense variant does not alter protein structure/function; Has not been previously published as pathogenic or benign to our knowledge

NM_001378454.1(ALMS1):c.4783C>G (p.Leu1595Val)

Gene: ALMS1 (ALMS1 centrosome and basal body associated protein; plus strand). Cytogenetic location: 2p13.1.
Variant type: single nucleotide variant.
Coding change: c.4783C>G on transcript NM_001378454.1 (MANE Select); coding-DNA position 4783, C replaced by G.
Protein change: p.Leu1595Val; replaces leucine 1595 with valine.
Molecular consequence: missense variant.
Genome position (GRCh38, 1-based): chr2:73,451,310, C>G. VCF-style: chr2-73451310-C-G. GRCh37 (hg19) VCF-style: chr2-73678437-C-G.
Other names: c.4786C>G, p.Leu1596Val (NM_015120.4); short protein forms L1595V, L1596V.
Identifiers: ClinVar variation 3900835 (VCV003900835.1).
Genomic context (GRCh38, chr2:73,451,310, plus strand): 5'-GAGAAGCCGATTGTTAACTACAAACAGGCCTTTCCAGATGGTCATCTACCTGAAGAGGCT[C>G]TGAAAGTTTCCATTGTTTCTGGACCTACTGAAAAAAAGACTGACATACCAGCAGGACCTT-3'
Protein context (NP_001365383.1, residues 1585-1605): FPDGHLPEEA[Leu1595Val]KVSIVSGPTE